The following is an entry in ClinVar:

NM_012062.5(DNM1L):c.2126G>A (p.Arg709His)

Gene: DNM1L (dynamin 1 like; plus strand). Cytogenetic location: 12p11.21.
Variant type: single nucleotide variant.
Coding change: c.2126G>A on transcript NM_012062.5 (MANE Select); coding-DNA position 2126, G replaced by A.
Protein change: p.Arg709His; replaces arginine 709 with histidine.
Molecular consequence: missense variant.
Genome position (GRCh38, 1-based): chr12:32,742,720, G>A. VCF-style: chr12-32742720-G-A. GRCh37 (hg19) VCF-style: chr12-32895654-G-A.
Other names: c.2093G>A, p.Arg698His (NM_001278463.2); c.2165G>A, p.Arg722His (NM_001278464.2); c.2132G>A, p.Arg711His (NM_001278465.2); c.1517G>A, p.Arg506His (NM_001278466.2); c.2054G>A, p.Arg685His (NM_001330380.2); c.2015G>A, p.Arg672His (NM_005690.5); c.2048G>A, p.Arg683His (NM_012063.4); short protein forms R506H, R672H, R683H, R685H, R698H, R709H, R711H, R722H.
Identifiers: ClinVar variation 3608463 (VCV003608463.2).

ClinVar aggregate classification (germline): Uncertain significance (1 of 4 stars; one submission).

gnomAD v4.1: 13 of 1,614,016 alleles (0.00081%); highest among the groups gnomAD compares: Admixed American, 0.0033%; no homozygotes.

Submission:

Labcorp Genetics (formerly Invitae), Labcorp
Classification: Uncertain significance. Last evaluated: 2024-04-02. Review status: criteria provided, single submitter. Criteria: Invitae Variant Classification Sherloc (09022015). Collection method: clinical testing. Allele origin: germline.
Comment: This sequence change replaces arginine, which is basic and polar, with histidine, which is basic and polar, at codon 709 of the DNM1L protein (p.Arg709His). This variant is present in population databases (rs776702636, gnomAD 0.006%). This variant has not been reported in the literature in individuals affected with DNM1L-related conditions. An algorithm developed to predict the effect of missense changes on protein structure and function (PolyPhen-2) suggests that this variant is likely to be disruptive. In summary, the available evidence is currently insufficient to determine the role of this variant in disease. Therefore, it has been classified as a Variant of Uncertain Significance.